The following is an entry in ClinVar:

NM_001243279.3(ACSF3):c.1555G>A (p.Val519Met)

Gene: ACSF3 (acyl-CoA synthetase family member 3; plus strand). Cytogenetic location: 16q24.3.
Variant type: single nucleotide variant.
Coding change: c.1555G>A on transcript NM_001243279.3 (MANE Select); coding-DNA position 1555, G replaced by A.
Protein change: p.Val519Met; replaces valine 519 with methionine.
Molecular consequence: missense variant. On other transcripts: non-coding transcript variant (4).
Genome position (GRCh38, 1-based): chr16:89,145,991, G>A. VCF-style: chr16-89145991-G-A. GRCh37 (hg19) VCF-style: chr16-89212399-G-A.
Other names: c.1555G>A, p.Val519Met (NM_001127214.4, NM_174917.5); c.760G>A, p.Val254Met (NM_001284316.2); short protein forms V254M, V519M.
Identifiers: ClinVar variation 1929038 (VCV001929038.3), dbSNP rs2543867070, ClinGen allele CA397149009.

ClinVar aggregate classification (germline): Uncertain significance. Review status: criteria provided, multiple submitters, no conflicts (2 of 4 stars). 2 submissions from 2 submitters: Uncertain significance (2). Last evaluated 2024-02-15.

Conditions:
Combined malonic and methylmalonic acidemia. Identifiers: Orphanet 289504, MedGen C3280314, MONDO:0013661, OMIM 614265.

Submissions (2):

Blueprint Genetics
Classification: Uncertain significance. Last evaluated: 2024-02-15. Review status: criteria provided, single submitter. Criteria: ACMG Guidelines, 2015. Collection method: clinical testing. Allele origin: germline.

Labcorp Genetics (formerly Invitae), Labcorp
Classification: Uncertain significance for Combined malonic and methylmalonic acidemia. Last evaluated: 2022-02-24. Review status: criteria provided, single submitter. Criteria: Invitae Variant Classification Sherloc (09022015). Collection method: clinical testing. Allele origin: germline.
Comment: This sequence change replaces valine, which is neutral and non-polar, with methionine, which is neutral and non-polar, at codon 519 of the ACSF3 protein (p.Val519Met). This variant is not present in population databases (gnomAD no frequency). This variant has not been reported in the literature in individuals affected with ACSF3-related conditions. Advanced modeling of protein sequence and biophysical properties (such as structural, functional, and spatial information, amino acid conservation, physicochemical variation, residue mobility, and thermodynamic stability) performed at Invitae indicates that this missense variant is expected to disrupt ACSF3 protein function. In summary, the available evidence is currently insufficient to determine the role of this variant in disease. Therefore, it has been classified as a Variant of Uncertain Significance.